The following is an entry in ClinVar:

ClinVar aggregate classification (germline): Likely benign (1 of 4 stars; one submission).

Submission:

CeGaT Center for Human Genetics Tuebingen
Classification: Likely benign. Last evaluated: 2023-02-01. Review status: criteria provided, single submitter. Criteria: CeGaT Center For Human Genetics Tuebingen Variant Classification Criteria Version 2. Collection method: clinical testing. Allele origin: germline. Affected: yes. Observed: 1 variant allele.
Comment: SPTAN1: PM2:Supporting, BP4, BP7

NM_001130438.3(SPTAN1):c.5493T>A (p.Thr1831=)

Gene: SPTAN1 (spectrin alpha, non-erythrocytic 1; plus strand). Cytogenetic location: 9q34.11.
Variant type: single nucleotide variant.
Coding change: c.5493T>A on transcript NM_001130438.3 (MANE Select); coding-DNA position 5493, T replaced by A.
Protein change: p.Thr1831=; no amino-acid change (threonine 1831 retained).
Molecular consequence: synonymous variant.
Genome position (GRCh38, 1-based): chr9:128,618,001, T>A. VCF-style: chr9-128618001-T-A. GRCh37 (hg19) VCF-style: chr9-131380280-T-A.
Other names: c.5433T>A, p.Thr1811= (NM_001375314.2, NM_001363765.2); c.5529T>A, p.Thr1843= (NM_001375318.1, NM_001375312.2); c.5478T>A, p.Thr1826= (NM_003127.4); c.5418T>A, p.Thr1806= (NM_001195532.2); c.5493T>A, p.Thr1831= (NM_001363759.2, NM_001375310.1, NM_001375311.2 and 1 more transcripts).
Identifiers: ClinVar variation 2659545 (VCV002659545.24), dbSNP rs1857384393, ClinGen allele CA467303889.